The following is an entry in ClinVar:

ClinVar aggregate classification (germline): Uncertain significance (1 of 4 stars; one submission).

Conditions:
Hereditary cancer-predisposing syndrome. Also called: Neoplastic Syndromes, Hereditary; Hereditary Cancer Syndrome; Hereditary neoplastic syndrome; Tumor predisposition. Identifiers: Orphanet 140162, MedGen C0027672, MeSH D009386, MONDO:0015356.

Allele frequency attached by ClinVar (database versions not stated): gnomAD exomes 0.00001.
gnomAD v4.1: 11 of 1,614,190 alleles (0.00068%); highest among the groups gnomAD compares: Non-Finnish European, 0.00093%; no homozygotes.

Submission:

Ambry Genetics
Classification: Uncertain significance for Hereditary cancer-predisposing syndrome. Last evaluated: 2023-04-01. Review status: criteria provided, single submitter. Criteria: Ambry Variant Classification Scheme 2023. Collection method: clinical testing. Allele origin: germline.
Comment: The p.D251Y variant (also known as c.751G>T), located in coding exon 2 of the BLM gene, results from a G to T substitution at nucleotide position 751. The aspartic acid at codon 251 is replaced by tyrosine, an amino acid with highly dissimilar properties. This amino acid position is conserved. In addition, this alteration is predicted to be tolerated by in silico analysis. Since supporting evidence is limited at this time, the clinical significance of this alteration remains unclear.

NM_000057.4(BLM):c.751G>T (p.Asp251Tyr)

Gene: BLM (BLM RecQ like helicase; plus strand). Cytogenetic location: 15q26.1.
Variant type: single nucleotide variant.
Coding change: c.751G>T on transcript NM_000057.4 (MANE Select); coding-DNA position 751, G replaced by T.
Protein change: p.Asp251Tyr; replaces aspartic acid 251 with tyrosine.
Molecular consequence: missense variant. On other transcripts: 5 prime UTR variant (1).
Genome position (GRCh38, 1-based): chr15:90,750,019, G>T. VCF-style: chr15-90750019-G-T. GRCh37 (hg19) VCF-style: chr15-91293249-G-T.
Other names: c.751G>T, p.Asp251Tyr (NM_001287246.2, NM_001287247.2); c.-541G>T (NM_001287248.2); short protein forms D251Y.
Identifiers: ClinVar variation 2561131 (VCV002561131.2), dbSNP rs2151148112, ClinGen allele CA393841480.